The following is an entry in ClinVar:

NM_181552.4(CUX1):c.2803T>C (p.Tyr935His)

Gene: CUX1 (cut like homeobox 1; plus strand). Cytogenetic location: 7q22.1.
Variant type: single nucleotide variant.
Coding change: c.2803T>C on transcript NM_181552.4 (MANE Select); coding-DNA position 2803, T replaced by C.
Protein change: p.Tyr935His; replaces tyrosine 935 with histidine.
Molecular consequence: missense variant. On other transcripts: intron variant (5).
Genome position (GRCh38, 1-based): chr7:102,202,100, T>C. VCF-style: chr7-102202100-T-C. GRCh37 (hg19) VCF-style: chr7-101845380-T-C.
Other names: c.2836T>C, p.Tyr946His (NM_001202543.2); c.1255+6497T>C (NM_001913.5); c.1249+6497T>C (NM_181500.4); c.1117+6497T>C (NM_001202545.3); c.1207+6497T>C (NM_001202544.3); c.1138+6497T>C (NM_001202546.3); short protein forms Y935H, Y946H.
Identifiers: ClinVar variation 3343034 (VCV003343034.1).

ClinVar aggregate classification (germline): Uncertain significance (1 of 4 stars; one submission).

Submission:

GeneDx
Classification: Uncertain significance. Last evaluated: 2023-04-06. Review status: criteria provided, single submitter. Criteria: GeneDx Variant Classification Process June 2021. Collection method: clinical testing. Allele origin: germline. Affected: yes.
Comment: Not observed at significant frequency in large population cohorts (gnomAD); In silico analysis supports that this missense variant has a deleterious effect on protein structure/function; Has not been previously published as pathogenic or benign to our knowledge